The following is an entry in ClinVar:

ClinVar aggregate classification (germline): Uncertain significance (1 of 4 stars; one submission).

Allele frequency attached by ClinVar (database versions not stated): gnomAD exomes below 0.00001.

Submission:

Labcorp Genetics (formerly Invitae), Labcorp
Classification: Uncertain significance. Last evaluated: 2022-08-18. Review status: criteria provided, single submitter. Criteria: Invitae Variant Classification Sherloc (09022015). Collection method: clinical testing. Allele origin: germline.
Comment: In summary, the available evidence is currently insufficient to determine the role of this variant in disease. Therefore, it has been classified as a Variant of Uncertain Significance. Studies have shown that this variant is associated with altered splicing resulting in unknown protein product impact (Invitae). This variant has been observed in individual(s) with clinical features of SMARCB1-related schwannomatosis (Invitae). This variant is not present in population databases (gnomAD no frequency). This sequence change falls in intron 4 of the SMARCB1 gene. It does not directly change the encoded amino acid sequence of the SMARCB1 protein.

NM_003073.5(SMARCB1):c.500+7A>G

Gene: SMARCB1 (SWI/SNF related BAF chromatin remodeling complex subunit B1; plus strand). Cytogenetic location: 22q11.23.
Variant type: single nucleotide variant.
Coding change: c.500+7A>G on transcript NM_003073.5 (MANE Select); 7 bases into the intron after coding-DNA position 500, A replaced by G.
Molecular consequence: intron variant. On other transcripts: synonymous variant (2).
Genome position (GRCh38, 1-based): chr22:23,801,088, A>G. VCF-style: chr22-23801088-A-G. GRCh37 (hg19) VCF-style: chr22-24143275-A-G.
Other names: c.473+7A>G (NM_001007468.3); c.480A>G, p.Gly160= (NM_001317946.2); c.507A>G, p.Gly169= (NM_001362877.2).
Identifiers: ClinVar variation 2180290 (VCV002180290.4), dbSNP rs2145978966, ClinGen allele CA2580099256.
Genomic context (GRCh38, chr22:23,801,088, plus strand): 5'-AACCATCAACAGGAACCGCATGGGCCGAGACAAGAAGAGAACCTTCCCCCTTTGGTGTGG[A>G]TGCATCGCTGCACTCACCCTCCGTGCTGATTCCGCCTTAGTTCTCCAGCACGTTTCAGTT-3'